The following is an entry in ClinVar:

ClinVar aggregate classification (germline): Uncertain significance. Review status: criteria provided, multiple submitters, no conflicts (2 of 4 stars). 4 submissions from 4 submitters: Uncertain significance (2). 2 of the submissions do not count toward it. Last evaluated 2025-06-17.

Conditions:
Angioimmunoblastic T-cell lymphoma. Identifiers: Orphanet 86886, MedGen C0020981, MONDO:0004977.
Immunodeficiency 75. Also called: IMMUNODEFICIENCY 75 WITH LYMPHOPROLIFERATION. Identifiers: Orphanet 664729, MedGen C5436860, MONDO:0030858, OMIM 619126.

gnomAD v4.1: 4 of 1,551,696 alleles (0.00026%); highest among the groups gnomAD compares: Non-Finnish European, 0.00035%; no homozygotes.

Submissions (4):

Labcorp Genetics (formerly Invitae), Labcorp
Classification: Uncertain significance. Last evaluated: 2025-06-17. Review status: criteria provided, single submitter. Criteria: Invitae Variant Classification Sherloc (09022015). Collection method: clinical testing. Allele origin: germline.
Comment: This sequence change replaces histidine, which is basic and polar, with arginine, which is basic and polar, at codon 1382 of the TET2 protein (p.His1382Arg). This variant is not present in population databases (gnomAD no frequency). This missense change has been observed in individual(s) with clinical features of TET2-related conditions (PMID: 32518946). ClinVar contains an entry for this variant (Variation ID: 430399). An algorithm developed to predict the effect of missense changes on protein structure and function (PolyPhen-2) suggests that this variant is likely to be disruptive. Studies have shown that this missense change alters TET2 gene expression (PMID: 32518946). In summary, the available evidence is currently insufficient to determine the role of this variant in disease. Therefore, it has been classified as a Variant of Uncertain Significance.

GeneDx
Classification: Uncertain significance. Last evaluated: 2017-05-25. Review status: criteria provided, single submitter. Criteria: GeneDx Variant Classification (06012015). Collection method: clinical testing. Allele origin: germline. Affected: yes.
Comment: The H1382R variant in the TET2 gene has been previously reported as a somatic variant in acute myeloid leukemia and angioimmunoblastic T-cell lymphoma, but has not been reported in the germline (DiNardo et al., 2016; Schwartz et al., 2017). The H1382R variant is not observed in large population cohorts (Lek et al., 2016; 1000 Genomes Consortium et al., 2015; Exome Variant Server). The H1382R variant is a conservative amino acid substitution, which is not likely to impact secondary protein structure as these residues share similar properties. This substitution occurs at a position within the iron-chelating motif that is conserved across species (Hu et al., 2013). In silico analysis predicts this variant is probably damaging to the protein structure/function. We interpret H1382R as a variant of uncertain significance.

OMIM
Classification: Pathogenic for IMMUNODEFICIENCY 75 WITH LYMPHOPROLIFERATION. Last evaluated: 2023-03-15. Review status: no assertion criteria provided. Collection method: literature only. Allele origin: unknown. Not counted in ClinVar's aggregate classification.

Molecular Diagnostics Laboratory, University of Rochester Medical Center
Classification: Uncertain significance for Angioimmunoblastic T-cell lymphoma. Review status: no assertion criteria provided. Collection method: provider interpretation. Allele origin: unknown. Affected: yes. Not counted in ClinVar's aggregate classification.

Literature cited by the submitters: PubMed 32518946 (cited by 3 submitters); PubMed 27210295 (cited by Molecular Diagnostics Laboratory, University of Rochester Medical Center); PubMed 28337768 (cited by Molecular Diagnostics Laboratory, University of Rochester Medical Center).

NM_001127208.3(TET2):c.4145A>G (p.His1382Arg)

Genes: TET2 (tet methylcytosine dioxygenase 2; plus strand), TET2-AS1 (TET2 antisense RNA 1; minus strand). Cytogenetic location: 4q24.
Variant type: single nucleotide variant.
Coding change: c.4145A>G on transcript NM_001127208.3 (MANE Select); coding-DNA position 4145, A replaced by G.
Protein change: p.His1382Arg; replaces histidine 1382 with arginine.
Molecular consequence: missense variant. On other transcripts: genic downstream transcript variant (1).
Genome position (GRCh38, 1-based): chr4:105,269,710, A>G. VCF-style: chr4-105269710-A-G. GRCh37 (hg19) VCF-style: chr4-106190867-A-G.
Other names: c.*32270A>G (NM_017628.4); short protein forms H1382R.
Identifiers: ClinVar variation 430399 (VCV000430399.8), dbSNP rs1131691943, ClinGen allele CA357809748.